The following is an entry in ClinVar:

ClinVar aggregate classification (germline): Uncertain significance (1 of 4 stars; one submission).

Submission:

GeneDx
Classification: Uncertain significance. Last evaluated: 2024-04-12. Review status: criteria provided, single submitter. Criteria: GeneDx Variant Classification Process June 2021. Collection method: clinical testing. Allele origin: germline. Affected: yes.
Comment: Not observed at significant frequency in large population cohorts (gnomAD); In silico analysis supports that this missense variant has a deleterious effect on protein structure/function; Has not been previously published as pathogenic or benign to our knowledge; This variant is associated with the following publications: (PMID: 10835628, 11114740)

NM_182925.5(FLT4):c.3037G>T (p.Asp1013Tyr)

Gene: FLT4 (fms related receptor tyrosine kinase 4; minus strand). Cytogenetic location: 5q35.3.
Variant type: single nucleotide variant.
Coding change: c.3037G>T on transcript NM_182925.5 (MANE Select); coding-DNA position 3037, G replaced by T.
Protein change: p.Asp1013Tyr; replaces aspartic acid 1013 with tyrosine.
Molecular consequence: missense variant.
Genome position (GRCh38, 1-based): chr5:180,616,959, C>A on the plus strand (G>T on the coding strand, the complement: FLT4 is on the minus strand). VCF-style: chr5-180616959-C-A. GRCh37 (hg19) VCF-style: chr5-180043959-C-A.
Other names: c.3037G>T, p.Asp1013Tyr (NM_001354989.2, NM_002020.5); short protein forms D1013Y.
Identifiers: ClinVar variation 3372546 (VCV003372546.1).